The following is an entry in ClinVar:

ClinVar aggregate classification (germline): Likely pathogenic (0 of 4 stars; one submission).

Conditions:
ADAMTS19-related disorder. Also called: ADAMTS19-related condition.

Allele frequency attached by ClinVar (database versions not stated): ExAC 0.00001.
gnomAD v4.1: 10 of 1,594,326 alleles (0.00063%); highest among the groups gnomAD compares: South Asian, 0.0011%; no homozygotes.

Submission:

PreventionGenetics, part of Exact Sciences
Classification: Likely pathogenic for ADAMTS19-related condition. Last evaluated: 2024-02-09. Review status: no assertion criteria provided. Collection method: clinical testing. Allele origin: germline.
Comment: The ADAMTS19 c.2923C>T variant is predicted to result in premature protein termination (p.Arg975*). To our knowledge, this variant has not been reported in the literature. This variant is reported in 0.0035% of alleles in individuals of South Asian descent in gnomAD. Nonsense variants in ADAMTS19 are expected to be pathogenic. This variant is interpreted as likely pathogenic.

NM_133638.6(ADAMTS19):c.2923C>T (p.Arg975Ter)

Gene: ADAMTS19 (ADAM metallopeptidase with thrombospondin type 1 motif 19; plus strand). Cytogenetic location: 5q23.3.
Variant type: single nucleotide variant.
Coding change: c.2923C>T on transcript NM_133638.6 (MANE Select); coding-DNA position 2923, C replaced by T.
Protein change: p.Arg975Ter; replaces arginine 975 with a stop codon.
Molecular consequence: nonsense.
Genome position (GRCh38, 1-based): chr5:129,694,824, C>T. VCF-style: chr5-129694824-C-T. GRCh37 (hg19) VCF-style: chr5-129030517-C-T.
Other names: short protein forms R975*.
Identifiers: ClinVar variation 3032008 (VCV003032008.2), dbSNP rs780852099, ClinGen allele CA3397849.